The following is an entry in ClinVar:

ClinVar aggregate classification (germline): Uncertain significance. Review status: criteria provided, multiple submitters, no conflicts (2 of 4 stars). 3 submissions from 3 submitters: Uncertain significance (3). Last evaluated 2024-04-13.

Conditions:
Cranioectodermal dysplasia 2 (CED2). Identifiers: Orphanet 1515, MedGen C3150874, MONDO:0013323, OMIM 613610.
Short-rib thoracic dysplasia 7 with or without polydactyly (SRTD7). Also called: Short rib polydactyly syndrome 5; SHORT-RIB THORACIC DYSPLASIA 7 WITH POLYDACTYLY. Identifiers: Orphanet 498497, Orphanet 93271, MedGen C3279792, MONDO:0013569, OMIM 614091.

Allele frequency attached by ClinVar (database versions not stated): gnomAD 0.00003; gnomAD exomes 0.00003 and 0.00006; ExAC 0.00004; TOPMed 0.00004.
gnomAD v4.1: 43 of 1,613,992 alleles (0.0027%); highest among the groups gnomAD compares: Admixed American, 0.028%; no homozygotes.

Submissions (3):

Fulgent Genetics
Classification: Uncertain significance for Cranioectodermal dysplasia 2; Short-rib thoracic dysplasia 7 with or without polydactyly. Last evaluated: 2024-04-13. Review status: criteria provided, single submitter. Criteria: ACMG Guidelines, 2015. Collection method: clinical testing. Allele origin: germline.

Labcorp Genetics (formerly Invitae), Labcorp
Classification: Uncertain significance for Cranioectodermal dysplasia 2; Short-rib thoracic dysplasia 7 with or without polydactyly. Last evaluated: 2022-10-17. Review status: criteria provided, single submitter. Criteria: Invitae Variant Classification Sherloc (09022015). Collection method: clinical testing. Allele origin: germline.
Comment: This sequence change replaces arginine, which is basic and polar, with cysteine, which is neutral and slightly polar, at codon 721 of the WDR35 protein (p.Arg721Cys). This variant is present in population databases (rs781365658, gnomAD 0.02%). This variant has not been reported in the literature in individuals affected with WDR35-related conditions. ClinVar contains an entry for this variant (Variation ID: 1193391). Advanced modeling of protein sequence and biophysical properties (such as structural, functional, and spatial information, amino acid conservation, physicochemical variation, residue mobility, and thermodynamic stability) performed at Invitae indicates that this missense variant is not expected to disrupt WDR35 protein function. In summary, the available evidence is currently insufficient to determine the role of this variant in disease. Therefore, it has been classified as a Variant of Uncertain Significance.

GeneDx
Classification: Uncertain significance. Last evaluated: 2020-01-14. Review status: criteria provided, single submitter. Criteria: GeneDx Variant Classification Process June 2021. Collection method: clinical testing. Allele origin: germline. Affected: yes.
Comment: Identified in a patient with nonsyndromic cleft palate in published literature (Pengelly et al., 2016); however, no second variant was identified and this individual also had other potential variants in other genes related to cleft lip and/or palate; In silico analysis supports that this missense variant has a deleterious effect on protein structure/function; This variant is associated with the following publications: (PMID: 27456059)

NM_020779.4(WDR35):c.2128C>T (p.Arg710Cys)

Gene: WDR35 (WD repeat domain 35; minus strand). Cytogenetic location: 2p24.1.
Variant type: single nucleotide variant.
Coding change: c.2128C>T on transcript NM_020779.4 (MANE Select); coding-DNA position 2128, C replaced by T.
Protein change: p.Arg710Cys; replaces arginine 710 with cysteine.
Molecular consequence: missense variant.
Genome position (GRCh38, 1-based): chr2:19,937,882, G>A on the plus strand (C>T on the coding strand, the complement: WDR35 is on the minus strand). VCF-style: chr2-19937882-G-A. GRCh37 (hg19) VCF-style: chr2-20137643-G-A.
Other names: c.2161C>T, p.Arg721Cys (NM_001006657.2); short protein forms R710C, R721C.
Identifiers: ClinVar variation 1193391 (VCV001193391.6), dbSNP rs781365658, ClinGen allele CA1543034.
Genomic context (GRCh38, chr2:19,937,882, plus strand): 5'-ACTCACTCAGTAGTTTGCCCAAGCGCTTCACAAACTTAATGCCTTGGTAATCTTTGCAGC[G>A]CACAAATGCTTGCTCTGCAGTGTATAGATCCAGTTTCTGAAGAGCTGCTTCAGCCAGTAG-3'
Protein context (NP_065830.2, residues 700-720): DLYTAEQAFV[Arg710Cys]CKDYQGIKFV